The following is an entry in ClinVar:

ClinVar aggregate classification (germline): Uncertain significance (1 of 4 stars; one submission).

gnomAD v4.1: 4 of 1,578,310 alleles (0.00025%); highest among the groups gnomAD compares: African/African-American, 0.0054%; no homozygotes.

Submission:

Ambry Genetics
Classification: Uncertain significance. Last evaluated: 2025-05-16. Review status: criteria provided, single submitter. Criteria: Ambry Variant Classification Scheme 2023. Collection method: clinical testing. Allele origin: germline.
Comment: The p.V1635L variant (also known as c.4903G>T), located in coding exon 20 of the WNK2 gene, results from a G to T substitution at nucleotide position 4903. The valine at codon 1635 is replaced by leucine, an amino acid with highly similar properties. This amino acid position is conserved. In addition, this alteration is predicted to be tolerated by in silico analysis. Based on the available evidence, the clinical significance of this variant remains unclear.

NM_006648.4(WNK2):c.4903G>T (p.Val1635Leu)

Gene: WNK2 (WNK lysine deficient protein kinase 2; plus strand). Cytogenetic location: 9q22.31.
Variant type: single nucleotide variant.
Coding change: c.4903G>T on transcript NM_006648.4 (MANE Select); coding-DNA position 4903, G replaced by T.
Protein change: p.Val1635Leu; replaces valine 1635 with leucine.
Molecular consequence: missense variant.
Genome position (GRCh38, 1-based): chr9:93,290,014, G>T. VCF-style: chr9-93290014-G-T. GRCh37 (hg19) VCF-style: chr9-96052296-G-T.
Other names: c.5014G>T, p.Val1672Leu (NM_001282394.3); short protein forms V1672L, V1635L.
Identifiers: ClinVar variation 3982046 (VCV003982046.1).